The following is an entry in ClinVar:

ClinVar aggregate classification (germline): Uncertain significance (1 of 4 stars; one submission).

Conditions:
Citrullinemia. Identifiers: Orphanet 187, MedGen C0175683, MONDO:0015991.

Submission:

Labcorp Genetics (formerly Invitae), Labcorp
Classification: Uncertain significance for Citrullinemia. Last evaluated: 2021-06-14. Review status: criteria provided, single submitter. Criteria: Invitae Variant Classification Sherloc (09022015). Collection method: clinical testing. Allele origin: germline.
Comment: This sequence change replaces lysine with asparagine at codon 277 of the ASS1 protein (p.Lys277Asn). The lysine residue is highly conserved and there is a moderate physicochemical difference between lysine and asparagine. This variant is not present in population databases (ExAC no frequency). This variant has not been reported in the literature in individuals with ASS1-related conditions. Algorithms developed to predict the effect of missense changes on protein structure and function are either unavailable or do not agree on the potential impact of this missense change (SIFT: "Deleterious"; PolyPhen-2: "Probably Damaging"; Align-GVGD: "Class C0"). In summary, the available evidence is currently insufficient to determine the role of this variant in disease. Therefore, it has been classified as a Variant of Uncertain Significance.

NM_054012.4(ASS1):c.831G>C (p.Lys277Asn)

Gene: ASS1 (argininosuccinate synthase 1; plus strand). Cytogenetic location: 9q34.11.
Variant type: single nucleotide variant.
Coding change: c.831G>C on transcript NM_054012.4 (MANE Select); coding-DNA position 831, G replaced by C.
Protein change: p.Lys277Asn; replaces lysine 277 with asparagine.
Molecular consequence: missense variant.
Genome position (GRCh38, 1-based): chr9:130,480,442, G>C. VCF-style: chr9-130480442-G-C. GRCh37 (hg19) VCF-style: chr9-133355829-G-C.
Other names: c.831G>C, p.Lys277Asn (NM_000050.4); short protein forms K277N.
Identifiers: ClinVar variation 1422113 (VCV001422113.8), dbSNP rs2118841820, ClinGen allele CA375229530.